The following is an entry in ClinVar:

NM_004360.5(CDH1):c.2572G>A (p.Asp858Asn)

Gene: CDH1 (cadherin 1; plus strand). Cytogenetic location: 16q22.1.
Variant type: single nucleotide variant.
Coding change: c.2572G>A on transcript NM_004360.5 (MANE Select); coding-DNA position 2572, G replaced by A.
Protein change: p.Asp858Asn; replaces aspartic acid 858 with asparagine.
Molecular consequence: missense variant.
Genome position (GRCh38, 1-based): chr16:68,833,422, G>A. VCF-style: chr16-68833422-G-A. GRCh37 (hg19) VCF-style: chr16-68867325-G-A.
Other names: c.2389G>A, p.Asp797Asn (NM_001317184.2); c.1024G>A, p.Asp342Asn (NM_001317185.2); c.607G>A, p.Asp203Asn (NM_001317186.2); short protein forms D203N, D797N, D858N, D342N.
Identifiers: ClinVar variation 1793263 (VCV001793263.2), dbSNP rs587782025, ClinGen allele CA396472518.

ClinVar aggregate classification (germline): Uncertain significance (1 of 4 stars; one submission).

Conditions:
Hereditary cancer-predisposing syndrome. Also called: Tumor predisposition; Hereditary Cancer Syndrome; Neoplastic Syndromes, Hereditary; Hereditary neoplastic syndrome. Identifiers: Orphanet 140162, MedGen C0027672, MeSH D009386, MONDO:0015356.

Submission:

Ambry Genetics
Classification: Uncertain significance for Hereditary cancer-predisposing syndrome. Last evaluated: 2022-06-07. Review status: criteria provided, single submitter. Criteria: Ambry Variant Classification Scheme 2023. Collection method: clinical testing. Allele origin: germline.
Comment: The p.D858N variant (also known as c.2572G>A), located in coding exon 16 of the CDH1 gene, results from a G to A substitution at nucleotide position 2572. The aspartic acid at codon 858 is replaced by asparagine, an amino acid with highly similar properties. This amino acid position is conserved. In addition, this alteration is predicted to be tolerated by in silico analysis. Since supporting evidence is limited at this time, the clinical significance of this alteration remains unclear.